The following is an entry in ClinVar:

ClinVar aggregate classification (germline): Uncertain significance. Review status: criteria provided, multiple submitters, no conflicts (2 of 4 stars). 2 submissions from 2 submitters: Uncertain significance (2). Last evaluated 2025-02-28.

Conditions:
Aortic aneurysm, familial thoracic 6 (AAT6). Also called: FAMILIAL THORACIC AORTIC ANEURYSM WITH LIVEDO RETICULARIS AND IRIS FLOCCULI. Identifiers: MedGen C2673186, MONDO:0012730, OMIM 611788.
Familial thoracic aortic aneurysm and aortic dissection (TAAD). Also called: Thoracic aortic aneurysms and dissections. Identifiers: Orphanet 91387, MedGen C4707243, MONDO:0019625.

Submissions (2):

Labcorp Genetics (formerly Invitae), Labcorp
Classification: Uncertain significance for Aortic aneurysm, familial thoracic 6. Last evaluated: 2025-02-28. Review status: criteria provided, single submitter. Criteria: Invitae Variant Classification Sherloc (09022015). Collection method: clinical testing. Allele origin: germline.
Comment: This sequence change affects a donor splice site in intron 5 of the ACTA2 gene. It is expected to disrupt RNA splicing. Variants that disrupt the donor or acceptor splice site typically lead to a loss of protein function (PMID: 16199547), however the current clinical and genetic evidence is not sufficient to establish whether loss-of-function variants in ACTA2 cause disease. This variant is not present in population databases (gnomAD no frequency). This variant has not been reported in the literature in individuals affected with ACTA2-related conditions. ClinVar contains an entry for this variant (Variation ID: 1741358). Algorithms developed to predict the effect of sequence changes on RNA splicing suggest that this variant may disrupt the consensus splice site. In summary, the available evidence is currently insufficient to determine the role of this variant in disease. Therefore, it has been classified as a Variant of Uncertain Significance.

Ambry Genetics
Classification: Uncertain significance for Familial thoracic aortic aneurysm and aortic dissection. Last evaluated: 2021-11-18. Review status: criteria provided, single submitter. Criteria: Ambry Variant Classification Scheme 2023. Collection method: clinical testing. Allele origin: germline.
Comment: The c.454+1G>T intronic variant results from a G to T substitution one nucleotide after coding exon 4 of the ACTA2 gene. In silico splice site analysis predicts that this alteration will weaken the native splice donor site. Alterations that disrupt the canonical splice site are expected to cause aberrant splicing, resulting in an abnormal protein or a transcript that is subject to nonsense-mediated mRNA decay. However, loss of function of ACTA2 has not been clearly established as a mechanism of disease. Since supporting evidence is limited at this time, the clinical significance of this alteration remains unclear.

Literature cited by the submitters: PubMed 16199547 (cited by Labcorp Genetics (formerly Invitae), Labcorp).

NM_001613.4(ACTA2):c.454+1G>T

Gene: ACTA2 (actin alpha 2, smooth muscle; minus strand). Cytogenetic location: 10q23.31.
Variant type: single nucleotide variant.
Coding change: c.454+1G>T on transcript NM_001613.4 (MANE Select); the canonical splice donor site of the intron after coding-DNA position 454, G replaced by T.
Molecular consequence: splice donor variant.
Genome position (GRCh38, 1-based): chr10:88,941,784, C>A on the plus strand (G>T on the coding strand, the complement: ACTA2 is on the minus strand). VCF-style: chr10-88941784-C-A. GRCh37 (hg19) VCF-style: chr10-90701541-C-A.
Other names: c.325+1G>T (NM_001406467.1, NM_001406468.1, NM_001406469.1); c.454+1G>T (NM_001320855.2, NM_001406462.1, NM_001406471.1 and 3 more transcripts); c.343+1G>T (NM_001406466.1).
Identifiers: ClinVar variation 1741358 (VCV001741358.5), dbSNP rs2494542214, ClinGen allele CA377512396.